The following is an entry in ClinVar:

ClinVar aggregate classification (germline): Uncertain significance (1 of 4 stars; one submission).

Conditions:
Amelocerebrohypohidrotic syndrome (KTZS). Also called: EPILEPSY AND YELLOW TEETH; EPILEPSY, DEMENTIA, AND AMELOGENESIS IMPERFECTA; KOHLSCHUTTER SYNDROME; Kohlschutter's syndrome. Identifiers: Orphanet 1946, MedGen C0406740, MONDO:0009185, OMIM 226750.

Allele frequency attached by ClinVar (database versions not stated): gnomAD exomes below 0.00001.
gnomAD v4.1: 1 of 1,564,660 alleles (0.000064%); highest among the groups gnomAD compares: South Asian, 0.0012%; no homozygotes.

Submission:

Labcorp Genetics (formerly Invitae), Labcorp
Classification: Uncertain significance for Amelocerebrohypohidrotic syndrome. Last evaluated: 2023-08-17. Review status: criteria provided, single submitter. Criteria: Invitae Variant Classification Sherloc (09022015). Collection method: clinical testing. Allele origin: germline.
Comment: In summary, the available evidence is currently insufficient to determine the role of this variant in disease. Therefore, it has been classified as a Variant of Uncertain Significance. An algorithm developed to predict the effect of missense changes on protein structure and function (PolyPhen-2) suggests that this variant is likely to be disruptive. ClinVar contains an entry for this variant (Variation ID: 1447275). This variant has not been reported in the literature in individuals affected with ROGDI-related conditions. This variant is not present in population databases (gnomAD no frequency). This sequence change replaces aspartic acid, which is acidic and polar, with valine, which is neutral and non-polar, at codon 86 of the ROGDI protein (p.Asp86Val).

NM_024589.3(ROGDI):c.257A>T (p.Asp86Val)

Gene: ROGDI (rogdi atypical leucine zipper; minus strand). Cytogenetic location: 16p13.3.
Variant type: single nucleotide variant.
Coding change: c.257A>T on transcript NM_024589.3 (MANE Select); coding-DNA position 257, A replaced by T.
Protein change: p.Asp86Val; replaces aspartic acid 86 with valine.
Molecular consequence: missense variant. On other transcripts: non-coding transcript variant (1).
Genome position (GRCh38, 1-based): chr16:4,800,577, T>A on the plus strand (A>T on the coding strand, the complement: ROGDI is on the minus strand). VCF-style: chr16-4800577-T-A. GRCh37 (hg19) VCF-style: chr16-4850578-T-A.
Other names: short protein forms D86V.
Identifiers: ClinVar variation 1447275 (VCV001447275.6), dbSNP rs774073956, ClinGen allele CA7882814.